The following is an entry in ClinVar:

ClinVar aggregate classification (germline): Uncertain significance (1 of 4 stars; one submission).

Conditions:
Developmental and epileptic encephalopathy, 12 (DEE12). Identifiers: MedGen C3150988, MONDO:0013389, OMIM 613722.

Allele frequency attached by ClinVar (database versions not stated): gnomAD exomes below 0.00001; TOPMed below 0.00001.
gnomAD v4.1: 5 of 1,612,598 alleles (0.00031%); highest among the groups gnomAD compares: Non-Finnish European, 0.00042%; no homozygotes.

Submission:

Labcorp Genetics (formerly Invitae), Labcorp
Classification: Uncertain significance for Developmental and epileptic encephalopathy, 12. Last evaluated: 2025-02-17. Review status: criteria provided, single submitter. Criteria: Invitae Variant Classification Sherloc (09022015). Collection method: clinical testing. Allele origin: germline.
Comment: This sequence change replaces lysine, which is basic and polar, with threonine, which is neutral and polar, at codon 304 of the PNKP protein (p.Lys304Thr). This variant is not present in population databases (gnomAD no frequency). This variant has not been reported in the literature in individuals affected with PNKP-related conditions. ClinVar contains an entry for this variant (Variation ID: 2075956). Invitae Evidence Modeling of protein sequence and biophysical properties (such as structural, functional, and spatial information, amino acid conservation, physicochemical variation, residue mobility, and thermodynamic stability) indicates that this missense variant is expected to disrupt PNKP protein function with a positive predictive value of 80%. In summary, the available evidence is currently insufficient to determine the role of this variant in disease. Therefore, it has been classified as a Variant of Uncertain Significance.

NM_007254.4(PNKP):c.911A>C (p.Lys304Thr)

Gene: PNKP (polynucleotide kinase 3'-phosphatase; minus strand). Cytogenetic location: 19q13.33.
Variant type: single nucleotide variant.
Coding change: c.911A>C on transcript NM_007254.4 (MANE Select); coding-DNA position 911, A replaced by C.
Protein change: p.Lys304Thr; replaces lysine 304 with threonine.
Molecular consequence: missense variant.
Genome position (GRCh38, 1-based): chr19:49,862,563, T>G on the plus strand (A>C on the coding strand, the complement: PNKP is on the minus strand). VCF-style: chr19-49862563-T-G. GRCh37 (hg19) VCF-style: chr19-50365820-T-G.
Other names: short protein forms K304T.
Identifiers: ClinVar variation 2075956 (VCV002075956.4), dbSNP rs2074784684, ClinGen allele CA406881931.